The following is an entry in ClinVar:

ClinVar aggregate classification (germline): Uncertain significance (1 of 4 stars; one submission).

Conditions:
Cataract 30 (CTRCT30). Also called: CATARACT 30, PULVERULENT. Identifiers: Orphanet 91492, Orphanet 98984, Orphanet 98992, MedGen C3805411, MONDO:0007286, OMIM 116300.

Allele frequency attached by ClinVar (database versions not stated): gnomAD exomes below 0.00001.
gnomAD v4.1: 2 of 1,614,082 alleles (0.00012%); highest among the groups gnomAD compares: Non-Finnish European, 0.00017%; no homozygotes.

Submission:

Labcorp Genetics (formerly Invitae), Labcorp
Classification: Uncertain significance for Cataract 30. Last evaluated: 2022-06-29. Review status: criteria provided, single submitter. Criteria: Invitae Variant Classification Sherloc (09022015). Collection method: clinical testing. Allele origin: germline.
Comment: This sequence change replaces aspartic acid, which is acidic and polar, with glycine, which is neutral and non-polar, at codon 209 of the VIM protein (p.Asp209Gly). This variant is not present in population databases (gnomAD no frequency). This variant has not been reported in the literature in individuals affected with VIM-related conditions. Algorithms developed to predict the effect of missense changes on protein structure and function (SIFT, PolyPhen-2, Align-GVGD) all suggest that this variant is likely to be disruptive. In summary, the available evidence is currently insufficient to determine the role of this variant in disease. Therefore, it has been classified as a Variant of Uncertain Significance.

NM_003380.5(VIM):c.626A>G (p.Asp209Gly)

Gene: VIM (vimentin; plus strand). Cytogenetic location: 10p13.
Variant type: single nucleotide variant.
Coding change: c.626A>G on transcript NM_003380.5 (MANE Select); coding-DNA position 626, A replaced by G.
Protein change: p.Asp209Gly; replaces aspartic acid 209 with glycine.
Molecular consequence: missense variant.
Genome position (GRCh38, 1-based): chr10:17,233,588, A>G. VCF-style: chr10-17233588-A-G. GRCh37 (hg19) VCF-style: chr10-17275587-A-G.
Other names: short protein forms D209G.
Identifiers: ClinVar variation 2012232 (VCV002012232.4), dbSNP rs2493188402, ClinGen allele CA376178194.